The following is an entry in ClinVar:

ClinVar aggregate classification (germline): Uncertain significance (1 of 4 stars; one submission).

Submission:

Women's Health and Genetics/Laboratory Corporation of America, LabCorp
Classification: Uncertain significance. Last evaluated: 2025-12-17. Review status: criteria provided, single submitter. Criteria: LabCorp Variant Classification Summary - May 2015. Collection method: clinical testing. Allele origin: germline.
Comment: Variant summary: CENPF c.5202_5244delinsT (p.Gly1735_Glu1748del) results in an in-frame deletion that is predicted to remove 14 amino acids from the encoded protein. The variant was absent in 250322 control chromosomes. The available data on variant occurrences in the general population are insufficient to allow any conclusion about variant significance. To our knowledge, no occurrence of c.5202_5244delinsT in individuals affected with CENPF-related conditions and no experimental evidence demonstrating its impact on protein function have been reported. No submitters have cited clinical-significance assessments for this variant to ClinVar. Based on the evidence outlined above, the variant was classified as uncertain significance.

NM_016343.4(CENPF):c.5202_5244delinsT (p.Gly1735_Glu1748del)

Gene: CENPF (centromere protein F; plus strand). Cytogenetic location: 1q41.
Variant type: Indel.
Coding change: c.5202_5244delinsT on transcript NM_016343.4 (MANE Select); coding-DNA positions 5202 to 5244, the reference bases replaced by T.
Protein change: p.Gly1735_Glu1748del.
Molecular consequence: inframe deletion.
Genome position (GRCh38, 1-based): chr1:214,644,772-214,644,814, 43 bases replaced. GRCh37 (hg19): chr1:214,818,115-214,818,157.
Identifiers: ClinVar variation 4688234 (VCV004688234.1).
Genomic context (GRCh38, chr1:214,644,772, plus strand): 5'-AGTGAAACCCACAGGAGAGTGCTCTGGGGAACAGTCCCCAGATACCAATTATGAGCCTCC[AGGGGAAGATAAAACCCAGGGCTCTTCAGAATGCATTTCTGAA>T]TTGTCATTTTCTGGTCCTAATGCTTTGGTACCTATGGATTTCCTGGGGAATCAGGAAGAT-3'